The following is an entry in ClinVar:

NM_025219.3(DNAJC5):c.-12+12G>T

Gene: DNAJC5 (DnaJ heat shock protein family (Hsp40) member C5; plus strand). Cytogenetic location: 20q13.33.
Variant type: single nucleotide variant.
Coding change: c.-12+12G>T on transcript NM_025219.3 (MANE Select); 12 bases into the intron after 12 bases upstream of the start codon, G replaced by T.
Molecular consequence: intron variant.
Genome position (GRCh38, 1-based): chr20:63,895,335, G>T. VCF-style: chr20-63895335-G-T. GRCh37 (hg19) VCF-style: chr20-62526688-G-T.
Identifiers: ClinVar variation 384174 (VCV000384174.1), dbSNP rs1057521885, ClinGen allele CA16608040.
Genomic context (GRCh38, chr20:63,895,335, plus strand): 5'-GCGGAGCCGCGGAGCCGGCGGGAGGGCGGGCGGGCGGGCGGACGGGCAGGTGAGCTCGCT[G>T]CGGGTCGGGCGGGCGGATCGGCCCACGTCAGGCCCGGGCAGGCGGGCGGGCGGGCGCGGG-3'

ClinVar aggregate classification (germline): Likely benign (1 of 4 stars; one submission).

Allele frequency attached by ClinVar (database versions not stated): TOPMed 0.00009; gnomAD 0.00015 and 0.00016.
gnomAD v4.1: 21 of 147,344 alleles (0.014%); highest among the groups gnomAD compares: African/African-American, 0.051%; no homozygotes.

Submission:

GeneDx
Classification: Likely benign. Last evaluated: 2016-03-02. Review status: criteria provided, single submitter. Criteria: GeneDx Variant Classification (06012015). Collection method: clinical testing. Allele origin: germline. Affected: yes.
Comment: This variant is considered likely benign or benign based on one or more of the following criteria: it is a conservative change, it occurs at a poorly conserved position in the protein, it is predicted to be benign by multiple in silico algorithms, and/or has population frequency not consistent with disease.